The following is an entry in ClinVar:

ClinVar aggregate classification (germline): Conflicting classifications of pathogenicity. Review status: criteria provided, conflicting classifications (1 of 4 stars). 2 submissions from 2 submitters: Uncertain significance (1); Likely benign (1). Last evaluated 2025-06-17.

Conditions:
Cardiomyopathy (CMYO). Also called: Cardiomyopathies. Identifiers: Orphanet 167848, MedGen C0878544, MONDO:0004994, HP:0001638. Inheritance: Various modes of inheritance.
Arrhythmogenic right ventricular dysplasia 10. Also called: Arrhythmogenic Right Ventricular Dysplasia/Cardiomyopathy10; Arrhythmogenic right ventricular dysplasia/cardiomyopathy, type 10; ARRHYTHMOGENIC RIGHT VENTRICULAR DYSPLASIA, FAMILIAL, 10. Identifiers: MedGen C1857777, MONDO:0012434, OMIM 610193.

Allele frequency attached by ClinVar (database versions not stated): gnomAD exomes below 0.00001 and 0.00001; gnomAD 0.00001; ExAC 0.00002.

Submissions (2):

Color Diagnostics, LLC DBA Color Health
Classification: Uncertain significance for Cardiomyopathy. Last evaluated: 2025-06-17. Review status: criteria provided, single submitter. Criteria: ACMG Guidelines, 2015. Collection method: clinical testing. Allele origin: germline.
Comment: This variant is located in the DSG2 protein. To our knowledge, functional studies have not been reported for this variant. This variant has not been reported in individuals affected with DSG2-related disorders in the literature. This variant has been identified in 2/249454 chromosomes in the general population by the Genome Aggregation Database (gnomAD). The available evidence is insufficient to determine the role of this variant in disease conclusively. Therefore, this variant is classified as a Variant of Uncertain Significance.

Labcorp Genetics (formerly Invitae), Labcorp
Classification: Likely benign for Arrhythmogenic right ventricular dysplasia 10. Last evaluated: 2022-09-01. Review status: criteria provided, single submitter. Criteria: Invitae Variant Classification Sherloc (09022015). Collection method: clinical testing. Allele origin: germline.

NM_001943.5(DSG2):c.108G>A (p.Lys36=)

Gene: DSG2 (desmoglein 2; plus strand). Cytogenetic location: 18q12.1.
Variant type: single nucleotide variant.
Coding change: c.108G>A on transcript NM_001943.5 (MANE Select); coding-DNA position 108, G replaced by A.
Protein change: p.Lys36=; no amino-acid change (lysine 36 retained).
Molecular consequence: synonymous variant.
Genome position (GRCh38, 1-based): chr18:31,519,829, G>A. VCF-style: chr18-31519829-G-A. GRCh37 (hg19) VCF-style: chr18-29099792-G-A.
Identifiers: ClinVar variation 1579822 (VCV001579822.9), dbSNP rs761947230, ClinGen allele CA041363.
Genomic context (GRCh38, chr18:31,519,829, plus strand): 5'-CATAATAAATTTTGGCAATATTCTATTGTTATAGGTCTTAAGCACAAGAAATGAAAATAA[G>A]CTGCTTCCTAAACATCCTCATTTAGTGCGGCAAAAGCGCGCCTGGATCACCGCCCCCGTG-3'
Protein context (NP_001934.2, residues 26-46): LQVLSTRNEN[Lys36=]LLPKHPHLVR